The following is an entry in ClinVar:

NM_000416.3(IFNGR1):c.988A>G (p.Thr330Ala)

Gene: IFNGR1 (interferon gamma receptor 1; minus strand). Cytogenetic location: 6q23.3.
Variant type: single nucleotide variant.
Coding change: c.988A>G on transcript NM_000416.3 (MANE Select); coding-DNA position 988, A replaced by G.
Protein change: p.Thr330Ala; replaces threonine 330 with alanine.
Molecular consequence: missense variant.
Genome position (GRCh38, 1-based): chr6:137,198,513, T>C on the plus strand (A>G on the coding strand, the complement: IFNGR1 is on the minus strand). VCF-style: chr6-137198513-T-C. GRCh37 (hg19) VCF-style: chr6-137519650-T-C.
Other names: c.958A>G, p.Thr320Ala (NM_001363526.1); c.865A>G, p.Thr289Ala (NM_001363527.1); short protein forms T320A, T330A, T289A.
Identifiers: ClinVar variation 2146744 (VCV002146744.4), dbSNP rs372635142, ClinGen allele CA4018833.

ClinVar aggregate classification (germline): Uncertain significance (1 of 4 stars; one submission).

Conditions:
Disseminated atypical mycobacterial infection. Identifiers: MedGen C0694566.

Allele frequency attached by ClinVar (database versions not stated): gnomAD exomes 0.00003; ExAC 0.00007; ESP Exome Variant Server 0.00008; TOPMed 0.00012; gnomAD 0.00015; 1000 Genomes Project 30x 0.00016; 1000 Genomes Project 0.00020.
gnomAD v4.1: 62 of 1,614,156 alleles (0.0038%); highest among the groups gnomAD compares: African/African-American, 0.041%; no homozygotes.

Submission:

Labcorp Genetics (formerly Invitae), Labcorp
Classification: Uncertain significance for Disseminated atypical mycobacterial infection. Last evaluated: 2025-10-09. Review status: criteria provided, single submitter. Criteria: Invitae Variant Classification Sherloc (09022015). Collection method: clinical testing. Allele origin: germline.
Comment: This sequence change replaces threonine, which is neutral and polar, with alanine, which is neutral and non-polar, at codon 330 of the IFNGR1 protein (p.Thr330Ala). This variant is present in population databases (rs372635142, gnomAD 0.07%). This variant has not been reported in the literature in individuals affected with IFNGR1-related conditions. ClinVar contains an entry for this variant (Variation ID: 2146744). Invitae Evidence Modeling of protein sequence and biophysical properties (such as structural, functional, and spatial information, amino acid conservation, physicochemical variation, residue mobility, and thermodynamic stability) indicates that this missense variant is not expected to disrupt IFNGR1 protein function with a negative predictive value of 80%. In summary, the available evidence is currently insufficient to determine the role of this variant in disease. Therefore, it has been classified as a Variant of Uncertain Significance.